The following is an entry in ClinVar:

NM_001375524.1(TRRAP):c.11409G>A (p.Thr3803=)

Gene: TRRAP (transformation/transcription domain associated protein; plus strand). Cytogenetic location: 7q22.1.
Variant type: single nucleotide variant.
Coding change: c.11409G>A on transcript NM_001375524.1 (MANE Select); coding-DNA position 11409, G replaced by A.
Protein change: p.Thr3803=; no amino-acid change (threonine 3803 retained).
Molecular consequence: synonymous variant.
Genome position (GRCh38, 1-based): chr7:99,012,142, G>A. VCF-style: chr7-99012142-G-A. GRCh37 (hg19) VCF-style: chr7-98609765-G-A.
Other names: c.11367G>A, p.Thr3789= (NM_001244580.2); c.11280G>A, p.Thr3760= (NM_003496.4).
Identifiers: ClinVar variation 3036167 (VCV003036167.3), dbSNP rs141285775, ClinGen allele CA4362171.
Genomic context (GRCh38, chr7:99,012,142, plus strand): 5'-TCTGAAAACGGTTCTCCGGGACGAGATCATTGCTTGGCACAAAAAAACACAAGAGGACAC[G>A]TCCTCTCCTCTCTCGGCCGCCGGGCAGCCAGAGAACATGGACAGCCAGCAACTGGTGTCC-3'
Protein context (NP_001362453.1, residues 3793-3813): IAWHKKTQED[Thr3803=]SSPLSAAGQP

ClinVar aggregate classification (germline): Likely benign. Review status: criteria provided, single submitter (1 of 4 stars). 2 submissions from 2 submitters: Likely benign (1). 1 of the submissions does not count toward it. Last evaluated 2025-04-17.

Conditions:
TRRAP-related disorder. Also called: TRRAP-related condition.

Allele frequency attached by ClinVar (database versions not stated): ExAC 0.00002; ESP Exome Variant Server 0.00008; gnomAD exomes 0.00011.
gnomAD v4.1: 166 of 1,614,082 alleles (0.01%); highest among the groups gnomAD compares: Non-Finnish European, 0.014%; no homozygotes.

Submissions (2):

Labcorp Genetics (formerly Invitae), Labcorp
Classification: Likely benign. Last evaluated: 2025-04-17. Review status: criteria provided, single submitter. Criteria: Invitae Variant Classification Sherloc (09022015). Collection method: clinical testing. Allele origin: germline.

PreventionGenetics, part of Exact Sciences
Classification: Likely benign for TRRAP-related condition. Last evaluated: 2020-05-21. Review status: no assertion criteria provided. Collection method: clinical testing. Allele origin: germline. Not counted in ClinVar's aggregate classification.
Comment: This variant is classified as likely benign based on ACMG/AMP sequence variant interpretation guidelines (Richards et al. 2015 PMID: 25741868, with internal and published modifications).